The following is an entry in ClinVar:

NM_001003800.2(BICD2):c.1569C>T (p.Ala523=)

Gene: BICD2 (BICD cargo adaptor 2; minus strand). Cytogenetic location: 9q22.31.
Variant type: single nucleotide variant.
Coding change: c.1569C>T on transcript NM_001003800.2 (MANE Select); coding-DNA position 1569, C replaced by T.
Protein change: p.Ala523=; no amino-acid change (alanine 523 retained).
Molecular consequence: synonymous variant.
Genome position (GRCh38, 1-based): chr9:92,719,076, G>A on the plus strand (C>T on the coding strand, the complement: BICD2 is on the minus strand). VCF-style: chr9-92719076-G-A. GRCh37 (hg19) VCF-style: chr9-95481358-G-A.
Other names: p.Ala523=; c.1569C>T, p.Ala523= (NM_015250.4).
Identifiers: ClinVar variation 766535 (VCV000766535.11), dbSNP rs1587668828, ClinGen allele CA466343354.

ClinVar aggregate classification (germline): Likely benign. Review status: criteria provided, multiple submitters, no conflicts (2 of 4 stars). 2 submissions from 2 submitters: Likely benign (2). Last evaluated 2025-01-02.

Conditions:
Autosomal dominant childhood-onset proximal spinal muscular atrophy with contractures (SMALED2A). Also called: SPINAL MUSCULAR ATROPHY, LOWER EXTREMITY-PREDOMINANT, 2A, CHILDHOOD ONSET, AUTOSOMAL DOMINANT; Spinal muscular atrophy, lower extremity-predominant, 2A, autosomal dominant. Identifiers: Orphanet 363447, Orphanet 363454, MedGen C4747715, MONDO:0014121, OMIM 615290.

Allele frequency attached by ClinVar (database versions not stated): gnomAD exomes below 0.00001; TOPMed below 0.00001.
gnomAD v4.1: 1 of 1,613,016 alleles (0.000062%); highest among the groups gnomAD compares: Non-Finnish European, 0.000085%; no homozygotes.

Submissions (2):

Mayo Clinic Laboratories, Mayo Clinic
Classification: Likely benign. Last evaluated: 2025-01-02. Review status: criteria provided, single submitter. Criteria: ACMG Guidelines, 2015. Collection method: clinical testing. Allele origin: germline. Observed: 1 variant allele.
Comment: BP4, BP7

Labcorp Genetics (formerly Invitae), Labcorp
Classification: Likely benign for Autosomal dominant childhood-onset proximal spinal muscular atrophy with contractures. Last evaluated: 2024-06-21. Review status: criteria provided, single submitter. Criteria: Invitae Variant Classification Sherloc (09022015). Collection method: clinical testing. Allele origin: germline.